The following is an entry in ClinVar:

ClinVar aggregate classification (germline): Uncertain significance (1 of 4 stars; one submission).

Conditions:
Combined oxidative phosphorylation deficiency 55 (COXPD55). Identifiers: MedGen C5676915, MONDO:0859228, OMIM 619743.

gnomAD v4.1: 9 of 1,613,824 alleles (0.00056%); highest among the groups gnomAD compares: East Asian, 0.02%; no homozygotes.

Submission:

Juno Genomics, Hangzhou Juno Genomics, Inc
Classification: Uncertain significance for Combined oxidative phosphorylation deficiency 55. Review status: criteria provided, single submitter. Criteria: ACMG Guidelines, 2015. Collection method: clinical testing. Allele origin: germline.
Comment: Absent from controls (or at extremely low frequency if recessive) in Genome Aggregation Database.

NM_005035.4(POLRMT):c.366G>A (p.Trp122Ter)

Gene: POLRMT (RNA polymerase mitochondrial; minus strand). Cytogenetic location: 19p13.3.
Variant type: single nucleotide variant.
Coding change: c.366G>A on transcript NM_005035.4 (MANE Select); coding-DNA position 366, G replaced by A.
Protein change: p.Trp122Ter; replaces tryptophan 122 with a stop codon.
Molecular consequence: nonsense. On other transcripts: non-coding transcript variant (1).
Genome position (GRCh38, 1-based): chr19:629,996, C>T on the plus strand (G>A on the coding strand, the complement: POLRMT is on the minus strand). VCF-style: chr19-629996-C-T. GRCh37 (hg19) VCF-style: chr19-629996-C-T.
Other names: c.366G>A, p.Trp122Ter (NM_001407805.1, NM_001407806.1, NM_001407807.1 and 12 more transcripts); c.42G>A, p.Trp14Ter (NM_001407831.1, NM_001407833.1, NM_001407834.1 and 2 more transcripts); short protein forms W122*, W14*.
Identifiers: ClinVar variation 5006039 (VCV005006039.2).